The following is an entry in ClinVar:

NM_000719.7(CACNA1C):c.911T>C (p.Ile304Thr)

Gene: CACNA1C (calcium voltage-gated channel subunit alpha1 C; plus strand). Cytogenetic location: 12p13.33.
Variant type: single nucleotide variant.
Coding change: c.911T>C on transcript NM_000719.7 (MANE Select); coding-DNA position 911, T replaced by C.
Protein change: p.Ile304Thr; replaces isoleucine 304 with threonine.
Molecular consequence: missense variant.
Genome position (GRCh38, 1-based): chr12:2,486,257, T>C. VCF-style: chr12-2486257-T-C. GRCh37 (hg19) VCF-style: chr12-2595423-T-C.
Other names: p.I304T:ATA>ACA; p.Ile304Thr; c.911T>C, p.Ile304Thr (NM_001129827.2, NM_001129829.2, NM_001129830.3 and 19 more transcripts); c.911T>C (NM_199460.3); short protein forms I304T.
Identifiers: ClinVar variation 190631 (VCV000190631.56), dbSNP rs201756421, ClinGen allele CA301220.

ClinVar aggregate classification (germline): Conflicting classifications of pathogenicity. Review status: criteria provided, conflicting classifications (1 of 4 stars). 16 submissions from 16 submitters: Uncertain significance (6); Likely benign (10). Last evaluated 2026-02-01.

Conditions:
Brugada syndrome 3 (BRGDA3). Identifiers: Orphanet 130, MedGen C2678478, MONDO:0012742, OMIM 611875.
Timothy syndrome (TS). Also called: LONG QT SYNDROME WITH SYNDACTYLY. Identifiers: Orphanet 65283, MedGen C1832916, MeSH C536962, MONDO:0010979, OMIM 601005.
Neurodevelopmental disorder with hypotonia, language delay, and skeletal defects with or without seizures (NEDHLSS). Identifiers: MedGen C5774213, MONDO:0859286, OMIM 620029.
Long QT syndrome 8. Identifiers: MedGen CN260585, MONDO:0032756, OMIM 618447.
Cardiovascular phenotype. Identifiers: MedGen CN230736.
CACNA1C-related disorder. Also called: CACNA1C-related condition; CACNA1C-related disorders. Identifiers: MedGen CN381092, MONDO:0700321.
Long QT syndrome (LQTS). Identifiers: MedGen C0023976, MeSH D008133, MONDO:0002442. Disease mechanism: loss of function. Inheritance: Various modes of inheritance.

Allele frequency attached by ClinVar (database versions not stated): 1000 Genomes Project 0.00020; 1000 Genomes Project 30x 0.00031; ExAC 0.00050; gnomAD exomes 0.00050 and 0.00099; TOPMed 0.00058; gnomAD 0.00063 and 0.00066; ESP Exome Variant Server 0.00077.
gnomAD v4.1: 1,538 of 1,612,986 alleles (0.095%); highest among the groups gnomAD compares: Non-Finnish European, 0.12%; 1 homozygote.

Submissions (16):

Labcorp Genetics (formerly Invitae), Labcorp
Classification: Likely benign for Long QT syndrome. Last evaluated: 2026-02-01. Review status: criteria provided, single submitter. Criteria: Invitae Variant Classification Sherloc (09022015). Collection method: clinical testing. Allele origin: germline.

PreventionGenetics, part of Exact Sciences
Classification: Likely benign for CACNA1C-related condition. Last evaluated: 2025-12-16. Review status: criteria provided, single submitter. Criteria: ACMG Guidelines, 2015. Collection method: clinical testing. Allele origin: germline.
Comment: This variant is classified as likely benign based on ACMG/AMP sequence variant interpretation guidelines (Richards et al. 2015 PMID: 25741868, with internal and published modifications).

Mayo Clinic Laboratories, Mayo Clinic
Classification: Likely benign. Last evaluated: 2025-10-07. Review status: criteria provided, single submitter. Criteria: ACMG Guidelines, 2015. Collection method: clinical testing. Allele origin: germline. Observed: 3 variant alleles.
Comment: BS1, BP4

CeGaT Center for Human Genetics Tuebingen
Classification: Likely benign. Last evaluated: 2025-07-01. Review status: criteria provided, single submitter. Criteria: CeGaT Center For Human Genetics Tuebingen Variant Classification Criteria Version 2. Collection method: clinical testing. Allele origin: germline. Affected: yes. Observed: 5 variant alleles.
Comment: CACNA1C: PP2, BS1

Molecular Diagnostic Laboratory for Inherited Cardiovascular Disease, Montreal Heart Institute
Classification: Likely benign. Last evaluated: 2025-04-09. Review status: criteria provided, single submitter. Criteria: ACMG Guidelines, 2015. Collection method: clinical testing. Allele origin: germline. Affected: no.

Ambry Genetics
Classification: Likely benign for Cardiovascular phenotype. Last evaluated: 2025-03-24. Review status: criteria provided, single submitter. Criteria: Ambry Variant Classification Scheme 2023. Collection method: clinical testing. Allele origin: germline.

ARUP Laboratories, Molecular Genetics and Genomics, ARUP Laboratories
Classification: Uncertain significance. Last evaluated: 2025-03-20. Review status: criteria provided, single submitter. Criteria: ARUP Molecular Germline Variant Investigation Process 2024. Collection method: clinical testing. Allele origin: germline.
Comment: The CACNA1C c.911T>C; p.Ile304Thr variant (rs201756421, ClinVar Variation ID: 190631) is reported in the literature in individuals with CACNA1C-related disease and is classified as either a benign polymorphism or variant of uncertain significance (Bennett 2019, Bora 2023, Novelli 2022, van Lint 2019, Wemhoner 2015). This variant is observed in the general population with an overall allele frequency of 0.05% (135/279418 alleles) in the Genome Aggregation Database (v2.1.1). Computational analyses are uncertain whether this variant is neutral or deleterious (REVEL: 0.264). Based on available information, the clinical significance of this variant is uncertain at this time. References: Bennett JS et al. Reclassification of Variants of Uncertain Significance in Children with Inherited Arrhythmia Syndromes is Predicted by Clinical Factors. Pediatr Cardiol. 2019 Dec;40(8):1679-1687. PMID: 31535183. Bora E et al. Clinical Heterogeneity in Patients with Long QT Syndrome and Segregation of Single Nucleotide Variants and Clinical Symptoms in 17 Affected Families. Mol Syndromol. 2023 Oct;14(5):363-374. PMID: 37901857. Novelli V et al. Role of CACNA1C in Brugada syndrome: Prevalence and phenotype of probands referred for genetic testing. Heart Rhythm. 2022 May;19(5):798-806. PMID: 34999275. van Lint FHM et al. Large next-generation sequencing gene panels in genetic heart disease: yield of pathogenic variants and variants of unknown significance. Neth Heart J. 2019 Jun;27(6):304-309. doi: 10.1007/s12471-019-1250-5. PMID: 30847666. Wemhoner K et al. Gain-of-function mutations in the calcium channel CACNA1C (Cav1.2) cause non-syndromic long-QT but not Timothy syndrome. J Mol Cell Cardiol. 2015 Mar;80:186-95. PMID: 25633834.

Revvity Omics, Revvity
Classification: Uncertain significance. Last evaluated: 2025-03-19. Review status: criteria provided, single submitter. Criteria: ACMG Guidelines, 2015. Collection method: clinical testing. Allele origin: germline.

Genomic Medicine Center of Excellence, King Faisal Specialist Hospital and Research Centre
Classification: Likely benign for Timothy syndrome. Last evaluated: 2024-12-18. Review status: criteria provided, single submitter. Criteria: ACMG Guidelines, 2015. Collection method: clinical testing. Allele origin: germline.

Blueprint Genetics
Classification: Likely benign. Last evaluated: 2024-11-15. Review status: criteria provided, single submitter. Criteria: ACMG Guidelines, 2015. Collection method: clinical testing. Allele origin: germline.

Women's Health and Genetics/Laboratory Corporation of America, LabCorp
Classification: Likely benign. Last evaluated: 2024-09-16. Review status: criteria provided, single submitter. Criteria: LabCorp Variant Classification Summary - May 2015. Collection method: clinical testing. Allele origin: germline.
Comment: Variant summary: CACNA1C c.911T>C (p.Ile304Thr) results in a non-conservative amino acid change located in the Ion transport domain (IPR005821) of the encoded protein sequence. Four of five in-silico tools predict a benign effect of the variant on protein function. The variant allele was found at a frequency of 0.0005 in 248032 control chromosomes. The observed variant frequency is approximately 49.99 fold of the estimated maximal expected allele frequency for a pathogenic variant in CACNA1C causing Arrhythmia phenotype (1e-05). c.911T>C has been reported in the literature in individuals affected with Long QT syndrome, arrythmia, and Brugada syndrome (Wemhoner_2015, VanLint_2019, Bora_2023, Novelli_2022). These report(s) do not provide unequivocal conclusions about association of the variant with Arrhythmia. To our knowledge, no experimental evidence demonstrating an impact on protein function has been reported. The following publications have been ascertained in the context of this evaluation (PMID: 37901857, 34999275, 30847666, 25633834). ClinVar contains an entry for this variant (Variation ID: 190631). Based on the evidence outlined above, the variant was classified as likely benign.

Eurofins Ntd Llc (ga)
Classification: Uncertain significance. Last evaluated: 2018-09-11. Review status: criteria provided, single submitter. Criteria: EGL ClinVar v180209 classification definitions. Collection method: clinical testing. Allele origin: germline. Observed: 4 variant alleles, 4 heterozygotes.

GeneDx
Classification: Uncertain significance. Last evaluated: 2017-04-07. Review status: criteria provided, single submitter. Criteria: GeneDx Variant Classification (06012015). Collection method: clinical testing. Allele origin: germline. Affected: yes.
Comment: A variant of uncertain significance has been identified in the CACNA1C gene. The I304T variant has not been published as a pathogenic variant, nor has it been reported as a benign variant to our knowledge. This variant has previously been observed independently or in conjunction with additional cardiogenetic variants in multiple other unrelated individuals referred for arrhythmia genetic testing at GeneDx. However, segregation data is uninformative. In addition, this variant has been classified in ClinVar as a variant of uncertain significance by other clinical laboratories (ClinVar SCV000231571.1, SCV000259358.1, SCV000318927.1, SCV000280059.1; Landrum et al., 2016). The NHLBI Exome Sequencing Project and the Exome Aggregation Consortium (ExAC) report the I304T variant was observed in 10/8,588 alleles from individuals of European background and 58/66,110 alleles from individual of Non-Finnish European background, respectively. This substitution occurs at a position that is not conserved across species, and Threonine is the wild-type amino acid at this position in at least one species. Furthermore, in silico analysis predicts this variant likely does not alter the protein structure/function. Nevertheless, the I304T variant results in a non-conservative amino acid substitution, which is likely to impact secondary protein structure as these residues differ in polarity, charge, size and/or other properties.Therefore, based on the currently available information, it is unclear whether this variant is pathogenic or benign.

Biesecker Lab/Clinical Genomics Section, National Institutes of Health
Classification: Likely benign. Last evaluated: 2013-06-24. Review status: criteria provided, single submitter. Criteria: Ng et al. (Circ Cardiovasc Genet. 2013). Collection method: research. Allele origin: unknown. Observed: 1 variant allele. Study: ClinSeq.
Comment: The study set was not selected for affection status in relation to any cancer. Pathogenicity categories were based on literature curation. See Pubmed ID:23861362 for details.

Medical sequencing

Center for Genomics, Ann and Robert H. Lurie Children's Hospital of Chicago
Classification: Uncertain significance for Timothy syndrome; Long QT syndrome 8; Neurodevelopmental disorder with hypotonia, language delay, and skeletal defects with or without seizures; Brugada syndrome 3. Review status: criteria provided, single submitter. Criteria: ACMG Guidelines, 2015. Collection method: clinical testing. Allele origin: germline.
Comment: CACNA1C NM_000719.6 exon 6 p.Ile304Thr (c.911T>C): This variant has not been reported in the literature but is present in 0.1% (11/10290) of Ashkenazi Jewish alleles in the Genome Aggregation Database. This variant is present in ClinVar (Variation ID:190631). Evolutionary conservation and computational predictive tools suggest that this variant may not impact the protein. In summary, data on this variant is insufficient for disease classification. Therefore, the clinical significance of this variant is uncertain

Stanford Center for Inherited Cardiovascular Disease, Stanford University
Classification: Uncertain significance. Review status: criteria provided, single submitter. Criteria: ACMG Guidelines, 2015. Collection method: provider interpretation. Allele origin: germline.

Literature cited by the submitters: PubMed 30847666 (cited by Mayo Clinic Laboratories, Mayo Clinic and Women's Health and Genetics/Laboratory Corporation of America, LabCorp); PubMed 31535183 (cited by Mayo Clinic Laboratories, Mayo Clinic); PubMed 34999275 (cited by Mayo Clinic Laboratories, Mayo Clinic and Women's Health and Genetics/Laboratory Corporation of America, LabCorp); PubMed 39580446 (cited by Mayo Clinic Laboratories, Mayo Clinic); PubMed 25633834 (cited by Women's Health and Genetics/Laboratory Corporation of America, LabCorp); PubMed 37901857 (cited by Women's Health and Genetics/Laboratory Corporation of America, LabCorp).